The following is an entry in ClinVar:

ClinVar aggregate classification (germline): Likely pathogenic (1 of 4 stars; one submission).

Conditions:
Stuve-Wiedemann syndrome (STWS). Also called: Stüve-Wiedemann syndrome. Identifiers: Orphanet 3206, MedGen C0796176, MONDO:0031280.

Submission:

Natera, Inc.
Classification: Likely pathogenic for Stuve-Wiedemann syndrome. Last evaluated: 2025-08-22. Review status: criteria provided, single submitter. Criteria: Natera Variant Classification Schema (03/2026). Collection method: clinical testing. Allele origin: germline.
Comment: The c.1654_1661del variant in LIFR is a frameshift variant predicted to shift the reading frame beginning at codon 553 and leads to a stop codon 7 codons downstream. This variant is expected to result in nonsense mediated decay, truncation, or a dysfunctional protein product. This variant is rare in the general population with a frequency below the threshold expected for the associated phenotype(s). Given the available evidence, this variant is classified as Likely Pathogenic.

NM_001127671.2(LIFR):c.1654_1661del (p.Ile553fs)

Gene: LIFR (LIF receptor subunit alpha; minus strand). Cytogenetic location: 5p13.1.
Variant type: Deletion.
Coding change: c.1654_1661del on transcript NM_001127671.2 (MANE Select); coding-DNA positions 1654 to 1661, 8 bases deleted (TTAATAAT; older notation c.1654_1661delTTAATAAT).
Protein change: p.Ile553fs; shifts the reading frame from isoleucine 553.
Molecular consequence: frameshift variant.
Genome position (GRCh38, 1-based): chr5:38,499,523-38,499,530, ATTATTAA deleted on the plus strand (TTAATAAT on the coding strand, the reverse complement: LIFR is on the minus strand); deleting any 8 consecutive bases within chr5:38,499,523-38,499,533 gives the same sequence; the c. name uses the placement nearest the transcript's 3' end. VCF-style (leftmost placement, unchanged base first): chr5-38499522-GATTATTAA-G. GRCh37 (hg19) VCF-style: chr5-38499624-GATTATTAA-G.
Other names: c.1654_1661del, p.Ile553fs (NM_001364297.2, NM_001364298.2, NM_002310.6); short protein forms I553fs.
Identifiers: ClinVar variation 4815017 (VCV004815017.1).